The following is an entry in ClinVar:

ClinVar aggregate classification (germline): Uncertain significance (1 of 4 stars; one submission).

Submission:

Labcorp Genetics (formerly Invitae), Labcorp
Classification: Uncertain significance. Last evaluated: 2022-06-20. Review status: criteria provided, single submitter. Criteria: Invitae Variant Classification Sherloc (09022015). Collection method: clinical testing. Allele origin: germline.
Comment: This sequence change replaces serine, which is neutral and polar, with glycine, which is neutral and non-polar, at codon 715 of the C2CD3 protein (p.Ser715Gly). In summary, the available evidence is currently insufficient to determine the role of this variant in disease. Therefore, it has been classified as a Variant of Uncertain Significance. Algorithms developed to predict the effect of missense changes on protein structure and function output the following: SIFT: "Tolerated"; PolyPhen-2: "Benign"; Align-GVGD: "Class C0". The glycine amino acid residue is found in multiple mammalian species, which suggests that this missense change does not adversely affect protein function. This variant has not been reported in the literature in individuals affected with C2CD3-related conditions. This variant is not present in population databases (gnomAD no frequency).

NM_001286577.2(C2CD3):c.2143A>G (p.Ser715Gly)

Gene: C2CD3 (C2 domain containing 3 centriole elongation regulator; minus strand). Cytogenetic location: 11q13.4.
Variant type: single nucleotide variant.
Coding change: c.2143A>G on transcript NM_001286577.2 (MANE Select); coding-DNA position 2143, A replaced by G.
Protein change: p.Ser715Gly; replaces serine 715 with glycine.
Molecular consequence: missense variant.
Genome position (GRCh38, 1-based): chr11:74,103,568, T>C on the plus strand (A>G on the coding strand, the complement: C2CD3 is on the minus strand). VCF-style: chr11-74103568-T-C. GRCh37 (hg19) VCF-style: chr11-73814613-T-C.
Other names: c.2143A>G, p.Ser715Gly (NM_015531.6); short protein forms S715G.
Identifiers: ClinVar variation 2005266 (VCV002005266.4), dbSNP rs2496450030, ClinGen allele CA381833968.